The following is an entry in ClinVar:

ClinVar aggregate classification (germline): Uncertain significance (1 of 4 stars; one submission).

Conditions:
Baller-Gerold syndrome (BGS). Also called: CRANIOSYNOSTOSIS WITH RADIAL DEFECTS. Identifiers: Orphanet 1225, MedGen C0265308, MONDO:0009039, OMIM 218600.

Submission:

Labcorp Genetics (formerly Invitae), Labcorp
Classification: Uncertain significance for Baller-Gerold syndrome. Last evaluated: 2022-03-07. Review status: criteria provided, single submitter. Criteria: Invitae Variant Classification Sherloc (09022015). Collection method: clinical testing. Allele origin: germline.
Comment: This sequence change replaces leucine, which is neutral and non-polar, with valine, which is neutral and non-polar, at codon 789 of the RECQL4 protein (p.Leu789Val). In summary, the available evidence is currently insufficient to determine the role of this variant in disease. Therefore, it has been classified as a Variant of Uncertain Significance. Experimental studies and prediction algorithms are not available or were not evaluated, and the functional significance of this variant is currently unknown. ClinVar contains an entry for this variant (Variation ID: 1063781). This variant has not been reported in the literature in individuals affected with RECQL4-related conditions. This variant is not present in population databases (gnomAD no frequency).

NM_004260.4(RECQL4):c.2365C>G (p.Leu789Val)

Gene: RECQL4 (RecQ like helicase 4; minus strand). Cytogenetic location: 8q24.3.
Variant type: single nucleotide variant.
Coding change: c.2365C>G on transcript NM_004260.4 (MANE Select); coding-DNA position 2365, C replaced by G.
Protein change: p.Leu789Val; replaces leucine 789 with valine.
Molecular consequence: missense variant.
Genome position (GRCh38, 1-based): chr8:144,513,316, G>C on the plus strand (C>G on the coding strand, the complement: RECQL4 is on the minus strand). VCF-style: chr8-144513316-G-C. GRCh37 (hg19) VCF-style: chr8-145738699-G-C.
Other names: short protein forms L789V.
Identifiers: ClinVar variation 1063781 (VCV001063781.5), dbSNP rs2130677910, ClinGen allele CA372678276.
Genomic context (GRCh38, chr8:144,513,316, plus strand): 5'-CGTCACGCCCGGCCCGGCCCACGGCCTGCACGTAGCTCTCGAAGCTTGGGGGCAGCCCCA[G>C]ATGCAGCACAGCCCGCACATCTGGCCGGTCCAGCCCCATCCCAAAGGCCACCGTGGCCAC-3'
Protein context (NP_004251.4, residues 779-799): DRPDVRAVLH[Leu789Val]GLPPSFESYV